The following is an entry in ClinVar:

NM_032590.5(KDM2B):c.1033G>A (p.Glu345Lys)

Gene: KDM2B (lysine demethylase 2B; minus strand). Cytogenetic location: 12q24.31.
Variant type: single nucleotide variant.
Coding change: c.1033G>A on transcript NM_032590.5 (MANE Select); coding-DNA position 1033, G replaced by A.
Protein change: p.Glu345Lys; replaces glutamic acid 345 with lysine.
Molecular consequence: missense variant.
Genome position (GRCh38, 1-based): chr12:121,520,999, C>T on the plus strand (G>A on the coding strand, the complement: KDM2B is on the minus strand). VCF-style: chr12-121520999-C-T. GRCh37 (hg19) VCF-style: chr12-121958802-C-T.
Other names: c.940G>A, p.Glu314Lys (NM_001005366.2); short protein forms E314K, E345K.
Identifiers: ClinVar variation 3602828 (VCV003602828.1).

ClinVar aggregate classification (germline): Uncertain significance (1 of 4 stars; one submission).

Submission:

GeneDx
Classification: Uncertain significance. Last evaluated: 2024-08-06. Review status: criteria provided, single submitter. Criteria: GeneDx Variant Classification Process June 2021. Collection method: clinical testing. Allele origin: germline. Affected: yes.
Comment: Not observed at significant frequency in large population cohorts (gnomAD); In silico analysis supports that this missense variant has a deleterious effect on protein structure/function; Has not been previously published as pathogenic or benign to our knowledge